The following is an entry in ClinVar:

ClinVar aggregate classification (germline): Benign/Likely benign. Review status: criteria provided, multiple submitters, no conflicts (2 of 4 stars). 3 submissions from 3 submitters: Benign (1); Likely benign (1). 1 of the submissions does not count toward it. Last evaluated 2024-11-09.

Conditions:
Hereditary cancer-predisposing syndrome. Also called: Tumor predisposition; Hereditary neoplastic syndrome; Neoplastic Syndromes, Hereditary; Hereditary Cancer Syndrome. Identifiers: Orphanet 140162, MedGen C0027672, MeSH D009386, MONDO:0015356.
Tuberous sclerosis 1 (TSC1). Identifiers: Orphanet 805, MedGen C1854465, MONDO:0008612, OMIM 191100.

Allele frequency attached by ClinVar (database versions not stated): TOPMed below 0.00001; ExAC 0.00001; gnomAD exomes below 0.00001; gnomAD 0.00001.
gnomAD v4.1: 2 of 1,614,086 alleles (0.00012%); highest among the groups gnomAD compares: Non-Finnish European, 0.00017%; no homozygotes.

Submissions (3):

Ambry Genetics
Classification: Likely benign for Hereditary cancer-predisposing syndrome. Last evaluated: 2024-11-09. Review status: criteria provided, single submitter. Criteria: Ambry Variant Classification Scheme 2023. Collection method: clinical testing. Allele origin: germline.

Labcorp Genetics (formerly Invitae), Labcorp
Classification: Benign for Tuberous sclerosis 1. Last evaluated: 2024-08-07. Review status: criteria provided, single submitter. Criteria: Invitae Variant Classification Sherloc (09022015). Collection method: clinical testing. Allele origin: germline.

ITMI
No classification provided. Condition: AllHighlyPenetrant. Last evaluated: 2013-09-19. Review status: no classification provided. Collection method: reference population. Allele origin: germline. Not counted in ClinVar's aggregate classification.
Comment: Please see associated publication for description of ethnicities

Literature cited by the submitters: PubMed 24728327 (cited by ITMI).

NM_000368.5(TSC1):c.3169G>A (p.Gly1057Ser)

Gene: TSC1 (TSC complex subunit 1; minus strand). Cytogenetic location: 9q34.13.
Variant type: single nucleotide variant.
Coding change: c.3169G>A on transcript NM_000368.5 (MANE Select); coding-DNA position 3169, G replaced by A.
Protein change: p.Gly1057Ser; replaces glycine 1057 with serine.
Molecular consequence: missense variant.
Genome position (GRCh38, 1-based): chr9:132,896,561, C>T on the plus strand (G>A on the coding strand, the complement: TSC1 is on the minus strand). VCF-style: chr9-132896561-C-T. GRCh37 (hg19) VCF-style: chr9-135771948-C-T.
Other names: c.3166G>A, p.Gly1056Ser (NM_001162426.2); c.3016G>A, p.Gly1006Ser (NM_001162427.2); c.2806G>A, p.Gly936Ser (NM_001362177.2); short protein forms G1057S, G936S, G1056S, G1006S.
Identifiers: ClinVar variation 135369 (VCV000135369.13), dbSNP rs587778727, ClinGen allele CA007215.